The following is an entry in ClinVar:

NM_000053.4(ATP7B):c.771C>G (p.Val257=)

Gene: ATP7B (ATPase copper transporting beta; minus strand). Cytogenetic location: 13q14.3.
Variant type: single nucleotide variant.
Coding change: c.771C>G on transcript NM_000053.4 (MANE Select); coding-DNA position 771, C replaced by G.
Protein change: p.Val257=; no amino-acid change (valine 257 retained).
Molecular consequence: synonymous variant.
Genome position (GRCh38, 1-based): chr13:51,974,449, G>C on the plus strand (C>G on the coding strand, the complement: ATP7B is on the minus strand). VCF-style: chr13-51974449-G-C. GRCh37 (hg19) VCF-style: chr13-52548585-G-C.
Other names: c.771C>G, p.Val257= (NM_001005918.3, NM_001243182.2, NM_001330578.2 and 30 more transcripts); c.675C>G, p.Val225= (NM_001406517.1, NM_001406518.1, NM_001406530.1 and 4 more transcripts).
Identifiers: ClinVar variation 3070563 (VCV003070563.1), dbSNP rs2547818830, ClinGen allele CA484025032.

ClinVar aggregate classification (germline): Likely benign (1 of 4 stars; one submission).

Conditions:
Wilson disease (WND). Also called: Wilson's disease. Identifiers: Orphanet 905, MedGen C0019202, MONDO:0010200, OMIM 277900. Disease mechanism: loss of function.

Submission:

All of Us Research Program, National Institutes of Health
Classification: Likely benign for Wilson disease. Last evaluated: 2023-04-28. Review status: criteria provided, single submitter. Criteria: ACMG Guidelines, 2015. Collection method: clinical testing. Allele origin: germline. Inheritance: Autosomal recessive inheritance. Observed: 1 variant allele, 1 heterozygote.
Comment: This study involves interpretation of variants in research participants for the purpose of population health screening. Participant phenotype was not available at the time of variant classification. Additional details can be found in publication PMID: 35346344, PMCID: PMC8962531